The following is an entry in ClinVar:

NM_030962.4(SBF2):c.5209A>T (p.Thr1737Ser)

Genes: SBF2 (SET binding factor 2; minus strand), SBF2-AS1 (SBF2 antisense RNA 1; plus strand), LOC105369149 (uncharacterized LOC105369149; plus strand). Cytogenetic location: 11p15.4.
Variant type: single nucleotide variant.
Coding change: c.5209A>T on transcript NM_030962.4 (MANE Select); coding-DNA position 5209, A replaced by T.
Protein change: p.Thr1737Ser; replaces threonine 1737 with serine.
Molecular consequence: missense variant.
Genome position (GRCh38, 1-based): chr11:9,785,147, T>A on the plus strand (A>T on the coding strand, the complement: SBF2 is on the minus strand). VCF-style: chr11-9785147-T-A. GRCh37 (hg19) VCF-style: chr11-9806694-T-A.
Other names: c.5305A>T, p.Thr1769Ser (NM_001386339.1); c.5080A>T, p.Thr1694Ser (NM_001386342.1); short protein forms T1737S, T1694S, T1769S.
Identifiers: ClinVar variation 580031 (VCV000580031.6), dbSNP rs1564850356, ClinGen allele CA379631479.
Genomic context (GRCh38, chr11:9,785,147, plus strand): 5'-GAAGTCTTCAGCACAGCGAGCAGGGTTCAGCATGTCACCTGTTTTCATCATTCTTGGATG[T>A]ATACTGGCTATAGAGCGTGGCTGCTCTTCGCTCCACTCCATTGGATGGGGAGATGCTGGA-3'
Protein context (NP_112224.1, residues 1727-1747): RRAATLYSQY[Thr1737Ser]SKNDENRSFE

ClinVar aggregate classification (germline): Uncertain significance (1 of 4 stars; one submission).

Conditions:
Charcot-Marie-Tooth disease type 4. Also called: Charcot-Marie-Tooth disease, type IV; Charcot-Marie-Tooth, Type 4. Identifiers: Orphanet 64749, MedGen C4082197, MONDO:0018995.

Submission:

Labcorp Genetics (formerly Invitae), Labcorp
Classification: Uncertain significance for Charcot-Marie-Tooth disease type 4. Last evaluated: 2021-09-01. Review status: criteria provided, single submitter. Criteria: Invitae Variant Classification Sherloc (09022015). Collection method: clinical testing. Allele origin: germline.
Comment: This sequence change replaces threonine with serine at codon 1737 of the SBF2 protein (p.Thr1737Ser). The threonine residue is moderately conserved and there is a small physicochemical difference between threonine and serine. This variant is not present in population databases (ExAC no frequency). This variant has not been reported in the literature in individuals affected with SBF2-related conditions. Algorithms developed to predict the effect of missense changes on protein structure and function (SIFT, PolyPhen-2, Align-GVGD) all suggest that this variant is likely to be tolerated. In summary, the available evidence is currently insufficient to determine the role of this variant in disease. Therefore, it has been classified as a Variant of Uncertain Significance.